The following is an entry in ClinVar:

ClinVar aggregate classification (germline): Uncertain significance (1 of 4 stars; one submission).

Conditions:
Inborn genetic diseases. Identifiers: MedGen C0950123, MeSH D030342.

Submission:

Ambry Genetics
Classification: Uncertain significance for Inborn genetic diseases. Last evaluated: 2025-07-11. Review status: criteria provided, single submitter. Criteria: Ambry Variant Classification Scheme 2023. Collection method: clinical testing. Allele origin: germline.
Comment: The p.A1087E variant (also known as c.3260C>A), located in coding exon 1 of the SAMD9 gene, results from a C to A substitution at nucleotide position 3260. The alanine at codon 1087 is replaced by glutamic acid, an amino acid with dissimilar properties. This amino acid position is conserved. In addition, the in silico prediction for this alteration is inconclusive. Based on the available evidence, the clinical significance of this variant remains unclear.

NM_017654.4(SAMD9):c.3260C>A (p.Ala1087Glu)

Gene: SAMD9 (sterile alpha motif domain containing 9; minus strand). Cytogenetic location: 7q21.2.
Variant type: single nucleotide variant.
Coding change: c.3260C>A on transcript NM_017654.4 (MANE Select); coding-DNA position 3260, C replaced by A.
Protein change: p.Ala1087Glu; replaces alanine 1087 with glutamic acid.
Molecular consequence: missense variant.
Genome position (GRCh38, 1-based): chr7:93,102,838, G>T on the plus strand (C>A on the coding strand, the complement: SAMD9 is on the minus strand). VCF-style: chr7-93102838-G-T. GRCh37 (hg19) VCF-style: chr7-92732151-G-T.
Other names: c.3260C>A, p.Ala1087Glu (NM_001193307.2); short protein forms A1087E.
Identifiers: ClinVar variation 4159075 (VCV004159075.1).